The following is an entry in ClinVar:

ClinVar aggregate classification (germline): Uncertain significance (1 of 4 stars; one submission).

gnomAD v4.1: 40 of 1,614,032 alleles (0.0025%); highest among the groups gnomAD compares: Non-Finnish European, 0.0032%; no homozygotes.

Submission:

Mayo Clinic Laboratories, Mayo Clinic
Classification: Uncertain significance. Last evaluated: 2024-09-25. Review status: criteria provided, single submitter. Criteria: ACMG Guidelines, 2015. Collection method: clinical testing. Allele origin: germline. Observed: 1 variant allele.
Comment: PM2

NM_182961.4(SYNE1):c.24193C>T (p.Arg8065Cys)

Gene: SYNE1 (spectrin repeat containing nuclear envelope protein 1; minus strand). Cytogenetic location: 6q25.2.
Variant type: single nucleotide variant.
Coding change: c.24193C>T on transcript NM_182961.4 (MANE Select); coding-DNA position 24193, C replaced by T.
Protein change: p.Arg8065Cys; replaces arginine 8065 with cysteine.
Molecular consequence: missense variant.
Genome position (GRCh38, 1-based): chr6:152,152,078, G>A on the plus strand (C>T on the coding strand, the complement: SYNE1 is on the minus strand). VCF-style: chr6-152152078-G-A. GRCh37 (hg19) VCF-style: chr6-152473213-G-A.
Other names: p.Arg7994Cys; c.799C>T, p.Arg267Cys (NM_001347701.2); c.658C>T, p.Arg220Cys (NM_001347702.2); c.23980C>T, p.Arg7994Cys (NM_033071.5); short protein forms R220C, R267C, R7994C, R8065C.
Identifiers: ClinVar variation 3379720 (VCV003379720.1).